The following is an entry in ClinVar:

ClinVar aggregate classification (germline): Conflicting classifications of pathogenicity. Review status: criteria provided, conflicting classifications (1 of 4 stars). 10 submissions from 10 submitters: Uncertain significance (1); Benign (1); Likely benign (6). 2 of the submissions do not count toward it. Last evaluated 2026-08-01.

Conditions:
Autoinflammation-PLCG2-associated antibody deficiency-immune dysregulation. Also called: Autoinflammation, antibody deficiency, and immune dysregulation, plcg2-associated; AUTOINFLAMMATION, ANTIBODY DEFICIENCY, AND IMMUNE DYSREGULATION; Autoinflammation, antibody deficiency, and immune dysregulation syndrome. Identifiers: Orphanet 324530, MedGen C3553961, MONDO:0013944, OMIM 614878.
Familial cold autoinflammatory syndrome 3 (FCAS3). Also called: FAMILIAL ATYPICAL COLD URTICARIA; ANTIBODY DEFICIENCY AND IMMUNE DYSREGULATION, PLCG2-ASSOCIATED. Identifiers: Orphanet 300359, MedGen C3280914, MONDO:0013766, OMIM 614468.

Allele frequency attached by ClinVar (database versions not stated): ESP Exome Variant Server 0.00048; 1000 Genomes Project 0.00060; 1000 Genomes Project 30x 0.00062; ExAC 0.00095; gnomAD exomes 0.00097 and 0.00105; gnomAD 0.00104 and 0.00105; TOPMed 0.00106.
gnomAD v4.1: 1,588 of 1,612,504 alleles (0.098%); highest among the groups gnomAD compares: South Asian, 0.22%; 5 homozygotes.

Submissions (10):

CeGaT Center for Human Genetics Tuebingen
Classification: Likely benign. Last evaluated: 2026-08-01. Review status: criteria provided, single submitter. Criteria: CeGaT Center For Human Genetics Tuebingen Variant Classification Criteria Version 2. Collection method: clinical testing. Allele origin: germline. Affected: yes. Observed: 8 variant alleles.
Comment: PLCG2: BP4, BS1

Women's Health and Genetics/Laboratory Corporation of America, LabCorp
Classification: Likely benign. Last evaluated: 2026-02-10. Review status: criteria provided, single submitter. Criteria: LabCorp Variant Classification Summary - May 2015. Collection method: clinical testing. Allele origin: germline.

Center for Genomics, Ann and Robert H. Lurie Children's Hospital of Chicago
Classification: Likely benign for Autoinflammation-PLCG2-associated antibody deficiency-immune dysregulation; Familial cold autoinflammatory syndrome 3. Last evaluated: 2026-02-09. Review status: criteria provided, single submitter. Criteria: ACMG Guidelines, 2015. Collection method: clinical testing. Allele origin: germline.
Comment: BS1_Supporting (high frequency for AD condition), BS2_Supporting (multiple homozygous individuals in gnomAD), BP4 (REVEL = 0.019)

Labcorp Genetics (formerly Invitae), Labcorp
Classification: Benign for Familial cold autoinflammatory syndrome 3. Last evaluated: 2026-01-13. Review status: criteria provided, single submitter. Criteria: Invitae Variant Classification Sherloc (09022015). Collection method: clinical testing. Allele origin: germline.

Mayo Clinic Laboratories, Mayo Clinic
Classification: Likely benign. Last evaluated: 2024-11-18. Review status: criteria provided, single submitter. Criteria: ACMG Guidelines, 2015. Collection method: clinical testing. Allele origin: germline. Observed: 2 variant alleles.
Comment: BS1, BP4

Blueprint Genetics
Classification: Likely benign. Last evaluated: 2024-11-13. Review status: criteria provided, single submitter. Criteria: ACMG Guidelines, 2015. Collection method: clinical testing. Allele origin: germline.

ARUP Laboratories, Molecular Genetics and Genomics, ARUP Laboratories
Classification: Likely benign. Last evaluated: 2023-12-29. Review status: criteria provided, single submitter. Criteria: ARUP Molecular Germline Variant Investigation Process 2024. Collection method: clinical testing. Allele origin: germline.

Baylor Genetics
Classification: Uncertain significance for Autoinflammation-PLCG2-associated antibody deficiency-immune dysregulation. Last evaluated: 2018-07-03. Review status: criteria provided, single submitter. Criteria: ACMG Guidelines, 2015. Collection method: clinical testing. Allele origin: maternal. Affected: yes.
Comment: This variant was determined to be of uncertain significance according to ACMG Guidelines, 2015 [PMID:25741868].

Clinical Genetics DNA and cytogenetics Diagnostics Lab, Erasmus MC, Erasmus Medical Center
Classification: Likely benign. Review status: no assertion criteria provided. Collection method: clinical testing. Allele origin: germline. Affected: yes. Study: VKGL Data-share Consensus. Not counted in ClinVar's aggregate classification.

Genome Diagnostics Laboratory, University Medical Center Utrecht
Classification: Likely benign. Review status: no assertion criteria provided. Collection method: clinical testing. Allele origin: germline. Affected: yes. Study: VKGL Data-share Consensus. Not counted in ClinVar's aggregate classification.

Literature cited by the submitters: PubMed 33859323 (cited by Mayo Clinic Laboratories, Mayo Clinic).

NM_002661.5(PLCG2):c.923C>T (p.Ala308Val)

Gene: PLCG2 (phospholipase C gamma 2; plus strand). Cytogenetic location: 16q23.3.
Variant type: single nucleotide variant.
Coding change: c.923C>T on transcript NM_002661.5 (MANE Select); coding-DNA position 923, C replaced by T.
Protein change: p.Ala308Val; replaces alanine 308 with valine.
Molecular consequence: missense variant.
Genome position (GRCh38, 1-based): chr16:81,891,527, C>T. VCF-style: chr16-81891527-C-T. GRCh37 (hg19) VCF-style: chr16-81925132-C-T.
Other names: p.Ala308Val; short protein forms A308V.
Identifiers: ClinVar variation 472906 (VCV000472906.52), dbSNP rs199636472, ClinGen allele CA8193513.